The following is an entry in ClinVar:

ClinVar aggregate classification (germline): Likely benign (1 of 4 stars; one submission).

gnomAD v4.1: 1 of 1,481,184 alleles (0.000068%); highest among the groups gnomAD compares: Non-Finnish European, 0.000089%; no homozygotes.

Submission:

CeGaT Center for Human Genetics Tuebingen
Classification: Likely benign. Last evaluated: 2026-01-01. Review status: criteria provided, single submitter. Criteria: CeGaT Center For Human Genetics Tuebingen Variant Classification Criteria Version 2. Collection method: clinical testing. Allele origin: germline. Affected: yes. Observed: 1 variant allele.
Comment: HYI: BP4, BP7

NM_001190880.3(HYI):c.126G>T (p.Ala42=)

Genes: HYI (hydroxypyruvate isomerase (putative); minus strand), SZT2 (SZT2 subunit of KICSTOR complex; plus strand), LOC129930381 (ATAC-STARR-seq lymphoblastoid silent region 785; plus strand). Cytogenetic location: 1p34.2.
Variant type: single nucleotide variant.
Coding change: c.126G>T on transcript NM_001190880.3 (MANE Select); coding-DNA position 126, G replaced by T.
Protein change: p.Ala42=; no amino-acid change (alanine 42 retained).
Molecular consequence: synonymous variant. On other transcripts: 3 prime UTR variant (2).
Genome position (GRCh38, 1-based): chr1:43,453,668, C>A on the plus strand (G>T on the coding strand, the complement: HYI is on the minus strand). VCF-style: chr1-43453668-C-A. GRCh37 (hg19) VCF-style: chr1-43919339-C-A.
Other names: c.*3188C>A (NM_001365999.1, NM_015284.4); c.126G>T, p.Ala42= (NM_001243526.2, NM_001330526.2, NM_031207.6).
Identifiers: ClinVar variation 4821412 (VCV004821412.4).